The following is an entry in ClinVar:

NM_001292063.2(OTOG):c.3562_3563del (p.Asp1188fs)

Gene: OTOG (otogelin; plus strand). Cytogenetic location: 11p15.1.
Variant type: Deletion.
Coding change: c.3562_3563del on transcript NM_001292063.2 (MANE Select); coding-DNA positions 3562 to 3563, 2 bases deleted (GA; older notation c.3562_3563delGA).
Protein change: p.Asp1188fs; shifts the reading frame from aspartic acid 1188.
Molecular consequence: frameshift variant.
Genome position (GRCh38, 1-based): chr11:17,596,887-17,596,888, GA deleted; deleting any 2 consecutive bases within chr11:17,596,886-17,596,888 gives the same sequence; the c. name uses the placement nearest the transcript's 3' end. VCF-style (leftmost placement, unchanged base first): chr11-17596885-CAG-C. GRCh37 (hg19) VCF-style: chr11-17618432-CAG-C.
Other names: c.3598_3599del, p.Asp1200fs (NM_001277269.2); short protein forms D1200fs, D1188fs.
Identifiers: ClinVar variation 5007837 (VCV005007837.2).
Genomic context (GRCh38, chr11:17,596,885, plus strand): 5'-GACCTCTAACTTCTGACCTTCTCCAGGTTGATGTCACTTGGTTTTACTCAAACTGCCTGA[CAG>C]ACACATGTGGCTGCAGCCAGGGTGGTGACTGTGAGTGCTTCTGTGCCAGCGTCTCCGCTT-3'

ClinVar aggregate classification (germline): Likely pathogenic (1 of 4 stars; one submission).

Conditions:
Autosomal recessive nonsyndromic hearing loss 18B. Also called: Deafness, autosomal recessive 18b. Identifiers: Orphanet 90636, MedGen C3554163, MONDO:0013985, OMIM 614945.

Submission:

Juno Genomics, Hangzhou Juno Genomics, Inc
Classification: Likely pathogenic for Autosomal recessive nonsyndromic hearing loss 18B. Review status: criteria provided, single submitter. Criteria: ACMG Guidelines, 2015. Collection method: clinical testing. Allele origin: germline.
Comment: Null variant in a gene where loss of function (LOF) is a known mechanism of disease.;Absent from controls (or at extremely low frequency if recessive) in Genome Aggregation Database.